The following is an entry in ClinVar:

NC_000007.13:g.(117251863_117254666)_(117254768_117267575)dup

Gene: CFTR (CF transmembrane conductance regulator; plus strand). Cytogenetic location: 7q31.2.
Variant type: Duplication.
Identifiers: ClinVar variation 2682328 (VCV002682328.1).

ClinVar aggregate classification (germline): Likely pathogenic (1 of 4 stars; one submission).

Conditions:
Cystic fibrosis (CF). Also called: MUCOVISCIDOSIS. Identifiers: Orphanet 586, MedGen C0010674, MONDO:0009061, OMIM 219700. Disease mechanism: loss of function.

Submission:

Women's Health and Genetics/Laboratory Corporation of America, LabCorp
Classification: Likely pathogenic for Cystic fibrosis. Last evaluated: 2023-11-05. Review status: criteria provided, single submitter. Criteria: LabCorp Variant Classification Summary - May 2015. Collection method: clinical testing. Allele origin: germline.
Comment: Variant summary: The variant involves the duplication of exon 21 in the CFTR gene. A presumed nomenclature of c.(3367+1_3368-1)_(3468+1_3469-1)dup has been designated for the purposes of this classification. It is assumed to be a tandem duplication in direct orientation (Richardson_GIM_2018, Newman_AJHG_2015). This Copy Number Variant (CNV) is expected to alter the reading frame and predicted to result in a truncation or absence of the encoded protein due to nonsense mediated decay (NMD). The variant was absent in 21694 control chromosomes. The available data on variant occurrences in the general population are insufficient to allow any conclusion about variant significance. To our knowledge, no occurrence of c.(3367+1_3368-1)_(3468+1_3469-1)dup in individuals affected with Cystic Fibrosis and no experimental evidence demonstrating its impact on protein function have been reported. No submitters have cited clinical-significance assessments for this variant to ClinVar after 2014. Based on the evidence outlined above, the variant was classified as likely pathogenic.